The following is an entry in ClinVar:

ClinVar aggregate classification (germline): Uncertain significance (1 of 4 stars; one submission).

gnomAD v4.1: 9 of 1,605,756 alleles (0.00056%); highest among the groups gnomAD compares: Non-Finnish European, 0.00077%; no homozygotes.

Submission:

GeneDx
Classification: Uncertain significance. Last evaluated: 2019-10-16. Review status: criteria provided, single submitter. Criteria: GeneDx Variant Classification Process June 2021. Collection method: clinical testing. Allele origin: germline. Affected: yes.
Comment: Not observed at a significant frequency in large population cohorts (Lek et al., 2016); In silico analysis, which includes protein predictors and evolutionary conservation, supports a deleterious effect; Has not been previously published as pathogenic or benign to our knowledge

NM_018060.4(IARS2):c.1943A>C (p.Tyr648Ser)

Gene: IARS2 (isoleucyl-tRNA synthetase 2, mitochondrial; plus strand). Cytogenetic location: 1q41.
Variant type: single nucleotide variant.
Coding change: c.1943A>C on transcript NM_018060.4 (MANE Select); coding-DNA position 1943, A replaced by C.
Protein change: p.Tyr648Ser; replaces tyrosine 648 with serine.
Molecular consequence: missense variant.
Genome position (GRCh38, 1-based): chr1:220,134,507, A>C. VCF-style: chr1-220134507-A-C. GRCh37 (hg19) VCF-style: chr1-220307849-A-C.
Other names: short protein forms Y648S.
Identifiers: ClinVar variation 1309075 (VCV001309075.2), dbSNP rs142067804, ClinGen allele CA344640969.